The following is an entry in ClinVar:

ClinVar aggregate classification (germline): Uncertain significance (1 of 4 stars; one submission).

Submission:

Women's Health and Genetics/Laboratory Corporation of America, LabCorp
Classification: Uncertain significance. Last evaluated: 2024-01-11. Review status: criteria provided, single submitter. Criteria: LabCorp Variant Classification Summary - May 2015. Collection method: clinical testing. Allele origin: germline.
Comment: Variant summary: The variant involves the duplication of exons 1-12 in the SLC6A19 gene. A presumed nomenclature of c.(?_-57)_(*3208_?)dup has been designated for the purposes of this classification. This duplication includes the entire coding sequence of the gene. As exact breakpoints are unknown, it may extend beyond the annotated region of the gene, to include other flanking genes. A large duplication variant (size: 240 kbp) that encompasses the SLC6A19 gene (together with other genes) was found at a frequency of 0.00016 in 441,890 control chromosomes in the gnomAD database (CNVs v4.0 dataset; zygosity not specified). To our knowledge, no occurrence of c.(?_-57)_(*3208_?)dup in individuals affected with Hartnup Disease and no experimental evidence demonstrating its impact on protein function have been reported. No submitters have cited clinical-significance assessments for this variant to ClinVar. Based on the evidence outlined above, the variant was classified as uncertain significance.

NC_000005.9:g.(?_1201709)_(1225227_?)dup

Gene: SLC6A19 (solute carrier family 6 member 19; plus strand). Cytogenetic location: 5p15.33.
Variant type: Duplication.
Identifiers: ClinVar variation 3063847 (VCV003063847.1).